The following is an entry in ClinVar:

NM_001278716.2(FBXL4):c.1103+13C>G

Gene: FBXL4 (F-box and leucine rich repeat protein 4; minus strand). Cytogenetic location: 6q16.2.
Variant type: single nucleotide variant.
Coding change: c.1103+13C>G on transcript NM_001278716.2 (MANE Select); 13 bases into the intron after coding-DNA position 1103, C replaced by G.
Molecular consequence: intron variant.
Genome position (GRCh38, 1-based): chr6:98,905,413, G>C on the plus strand (C>G on the coding strand, the complement: FBXL4 is on the minus strand). VCF-style: chr6-98905413-G-C. GRCh37 (hg19) VCF-style: chr6-99353289-G-C.
Other names: c.1103+13C>G (NM_012160.5).
Identifiers: ClinVar variation 437690 (VCV000437690.5), dbSNP rs182076681, ClinGen allele CA3933547.

ClinVar aggregate classification (germline): Conflicting classifications of pathogenicity. Review status: criteria provided, conflicting classifications (1 of 4 stars). 2 submissions from 2 submitters: Uncertain significance (1); Likely benign (1). Last evaluated 2023-08-17.

Conditions:
Mitochondrial DNA depletion syndrome 13. Also called: FBXL4-Related Encephalomyopathic Mitochondrial DNA Depletion Syndrome; Mitochondrial DNA depletion syndrome 13 (encephalomyopathic type). Identifiers: Orphanet 369897, MedGen C3809592, MONDO:0014198, OMIM 615471.

gnomAD v4.1: 8 of 1,612,506 alleles (0.0005%); highest among the groups gnomAD compares: African/African-American, 0.004%; no homozygotes.

Submissions (2):

Labcorp Genetics (formerly Invitae), Labcorp
Classification: Likely benign. Last evaluated: 2023-08-17. Review status: criteria provided, single submitter. Criteria: Invitae Variant Classification Sherloc (09022015). Collection method: clinical testing. Allele origin: germline.

Wong Mito Lab, Molecular and Human Genetics, Baylor College of Medicine
Classification: Uncertain significance for Mitochondrial DNA depletion syndrome 13. Last evaluated: 2017-08-10. Review status: criteria provided, single submitter. Criteria: ACMG Guidelines, 2015. Collection method: reference population. Allele origin: germline.
Comment: The NM_012160.4:c.1103+13C>G (NP_036292.2:p.=) [GRCH38: NC_000006.12:g.98905413G>C] variant in FBXL4 gene is interpretated to be a Uncertain Significance - Insufficient Evidence based on ACMG guidelines (PMID: 25741868). This variant meets one or more of the following evidence codes reported in the ACMG-guideline. PM2:This variant is absent in key population databases. Based on this evidence code ClinGen Pathogenicity Calculator (PMID:28081714) suggested that the variant is Uncertain Significance - Insufficient Evidence.